The following is an entry in ClinVar:

ClinVar aggregate classification (germline): Likely pathogenic (1 of 4 stars; one submission).

Conditions:
Osteogenesis imperfecta type I (OI1). Also called: Lobstein disease; Classic Non-deforming Osteogenesis Imperfecta with Blue Sclerae; Osteogenesis imperfecta type 1; Lobstein's Disease; OI, TYPE I; OSTEOGENESIS IMPERFECTA TARDA. Identifiers: Orphanet 216796, Orphanet 666, MedGen C0023931, MONDO:0008146, OMIM 166200. Disease mechanism: loss of function.

Submission:

Labcorp Genetics (formerly Invitae), Labcorp
Classification: Likely pathogenic for Osteogenesis imperfecta type I. Last evaluated: 2018-03-14. Review status: criteria provided, single submitter. Criteria: Invitae Variant Classification Sherloc (09022015). Collection method: clinical testing. Allele origin: germline.
Comment: This sequence change replaces glycine with aspartic acid at codon 1130 of the COL1A1 protein (p.Gly1130Asp). The glycine residue is highly conserved and there is a moderate physicochemical difference between glycine and aspartic acid. This variant is not present in population databases (ExAC no frequency). This variant has not been reported in the literature in individuals with COL1A1-related disease. Glycine residues within the Gly-Xaa-Yaa repeats of the triple helix domain are required for the structure and stability of fibrillar collagens (PMID: 7695699, 8218237, 19344236). In COL1A2, missense variants at these glycine residues are significantly enriched in individuals with disease (PMID: 9016532, 17078022) compared to the general population (ExAC). In summary, this variant is a novel missense change affecting a residue that is known to be critical for normal protein structure, stability and function. This type of missense change is also highly enriched in affected individuals and expected to be pathogenic. However, without additional functional and/or genetic data, this variant has been classified as Likely Pathogenic.

Literature cited by the submitters: PubMed 7695699; PubMed 19344236; PubMed 17078022; PubMed 8218237; PubMed 9016532.

NM_000088.4(COL1A1):c.3389G>A (p.Gly1130Asp)

Gene: COL1A1 (collagen type I alpha 1 chain; minus strand). Cytogenetic location: 17q21.33.
Variant type: single nucleotide variant.
Coding change: c.3389G>A on transcript NM_000088.4 (MANE Select); coding-DNA position 3389, G replaced by A.
Protein change: p.Gly1130Asp; replaces glycine 1130 with aspartic acid.
Molecular consequence: missense variant.
Genome position (GRCh38, 1-based): chr17:50,187,518, C>T on the plus strand (G>A on the coding strand, the complement: COL1A1 is on the minus strand). VCF-style: chr17-50187518-C-T. GRCh37 (hg19) VCF-style: chr17-48264879-C-T.
Other names: short protein forms G1130D.
Identifiers: ClinVar variation 573411 (VCV000573411.1), dbSNP rs1567753699, ClinGen allele CA400199306.
Genomic context (GRCh38, chr17:50,187,518, plus strand): 5'-AAGAGGAGAGAGAAGGCATGACTTACTCGGGGACCAGCAGGACCAGAGGCTCCAGAGGGA[C>T]CTTGTTCACCAGGAGAGCCCTGAAGGACAGATAAAAAAGGCAGTTCAGGCCCAGTGAGCG-3'
Protein context (NP_000079.2, residues 1120-1140): PGPPGSPGEQ[Gly1130Asp]PSGASGPAGP